The following is an entry in ClinVar:

ClinVar aggregate classification (germline): Conflicting classifications of pathogenicity. Review status: criteria provided, conflicting classifications (1 of 4 stars). 2 submissions from 2 submitters: Uncertain significance (1); Likely benign (1). Last evaluated 2025-09-23.

Allele frequency attached by ClinVar (database versions not stated): gnomAD 0.00001; TOPMed 0.00001; ExAC 0.00002; gnomAD exomes 0.00002.
gnomAD v4.1: 29 of 1,537,718 alleles (0.0019%); highest among the groups gnomAD compares: Admixed American, 0.0097%; no homozygotes.

Submissions (2):

Labcorp Genetics (formerly Invitae), Labcorp
Classification: Uncertain significance. Last evaluated: 2025-09-23. Review status: criteria provided, single submitter. Criteria: Invitae Variant Classification Sherloc (09022015). Collection method: clinical testing. Allele origin: germline.
Comment: This sequence change replaces alanine, which is neutral and non-polar, with valine, which is neutral and non-polar, at codon 194 of the MYLK3 protein (p.Ala194Val). The frequency data for this variant in the population databases is considered unreliable, as metrics indicate poor data quality at this position in the gnomAD database. This variant has not been reported in the literature in individuals affected with MYLK3-related conditions. ClinVar contains an entry for this variant (Variation ID: 1356886). An algorithm developed to predict the effect of missense changes on protein structure and function outputs the following: PolyPhen-2: "Benign". The valine amino acid residue is found in multiple mammalian species, which suggests that this missense change does not adversely affect protein function. In summary, the available evidence is currently insufficient to determine the role of this variant in disease. Therefore, it has been classified as a Variant of Uncertain Significance.

Ambry Genetics
Classification: Likely benign. Last evaluated: 2024-12-23. Review status: criteria provided, single submitter. Criteria: Ambry Variant Classification Scheme 2023. Collection method: clinical testing. Allele origin: germline.

NM_182493.3(MYLK3):c.581C>T (p.Ala194Val)

Gene: MYLK3 (myosin light chain kinase 3; minus strand). Cytogenetic location: 16q11.2.
Variant type: single nucleotide variant.
Coding change: c.581C>T on transcript NM_182493.3 (MANE Select); coding-DNA position 581, C replaced by T.
Protein change: p.Ala194Val; replaces alanine 194 with valine.
Molecular consequence: missense variant. On other transcripts: intron variant (1).
Genome position (GRCh38, 1-based): chr16:46,738,131, G>A on the plus strand (C>T on the coding strand, the complement: MYLK3 is on the minus strand). VCF-style: chr16-46738131-G-A. GRCh37 (hg19) VCF-style: chr16-46772043-G-A.
Other names: c.581C>T (NM_182493.2); c.-23+1926C>T (NM_001308301.1); short protein forms A194V.
Identifiers: ClinVar variation 1356886 (VCV001356886.7), dbSNP rs772851638, ClinGen allele CA8038194.